The following is an entry in ClinVar:

NM_000059.4(BRCA2):c.2758C>T (p.Pro920Ser)

Gene: BRCA2 (BRCA2 DNA repair associated; plus strand). Cytogenetic location: 13q13.1.
Variant type: single nucleotide variant.
Coding change: c.2758C>T on transcript NM_000059.4 (MANE Select); coding-DNA position 2758, C replaced by T.
Protein change: p.Pro920Ser; replaces proline 920 with serine.
Molecular consequence: missense variant.
Genome position (GRCh38, 1-based): chr13:32,337,113, C>T. VCF-style: chr13-32337113-C-T. GRCh37 (hg19) VCF-style: chr13-32911250-C-T.
Other names: 2986C>T; short protein forms P920S.
Identifiers: ClinVar variation 91785 (VCV000091785.17), dbSNP rs397507293, ClinGen allele CA016284.

ClinVar aggregate classification (germline): Conflicting classifications of pathogenicity. Review status: criteria provided, conflicting classifications (1 of 4 stars). 5 submissions from 5 submitters: Uncertain significance (1); Likely benign (2). 2 of the submissions do not count toward it. Last evaluated 2025-03-18.

Conditions:
Hereditary cancer-predisposing syndrome. Also called: Tumor predisposition; Hereditary Cancer Syndrome; Neoplastic Syndromes, Hereditary; Hereditary neoplastic syndrome. Identifiers: Orphanet 140162, MedGen C0027672, MeSH D009386, MONDO:0015356.
Hereditary breast ovarian cancer syndrome. Also called: Breast and ovarian cancer; Hereditary breast and ovarian cancer; Hereditary breast and ovarian cancer syndrome; BRCA1- and BRCA2-Associated Hereditary Breast and Ovarian Cancer; Hereditary breast and ovarian cancer syndrome (HBOC); Hereditary breast and/or ovarian cancer syndrome. Identifiers: Orphanet 145, MedGen C0677776, MeSH D061325, MONDO:0003582. Disease mechanism: loss of function.
Breast-ovarian cancer, familial, susceptibility to, 2 (BROVCA2). Also called: BRCA2 Hereditary Breast and Ovarian Cancer. Identifiers: Orphanet 145, MedGen C2675520, MONDO:0012933, OMIM 612555. Disease mechanism: loss of function.
Familial cancer of breast. Also called: BREAST CANCER, FAMILIAL; hereditary breast carcinoma; Hereditary breast cancer. Identifiers: Orphanet 227535, MedGen C0346153, MONDO:0016419, OMIM 114480. Disease mechanism: loss of function.

gnomAD v4.1: 1 of 1,613,732 alleles (0.000062%); highest among the groups gnomAD compares: East Asian, 0.0022%; no homozygotes.

Submissions (5):

Ambry Genetics
Classification: Likely benign for Hereditary cancer-predisposing syndrome. Last evaluated: 2025-03-18. Review status: criteria provided, single submitter. Criteria: Ambry Variant Classification Scheme 2023. Collection method: clinical testing. Allele origin: germline.

Labcorp Genetics (formerly Invitae), Labcorp
Classification: Uncertain significance for Hereditary breast ovarian cancer syndrome. Last evaluated: 2024-09-04. Review status: criteria provided, single submitter. Criteria: Invitae Variant Classification Sherloc (09022015). Collection method: clinical testing. Allele origin: germline.
Comment: This sequence change replaces proline, which is neutral and non-polar, with serine, which is neutral and polar, at codon 920 of the BRCA2 protein (p.Pro920Ser). This variant is present in population databases (rs397507293, gnomAD 0.006%). This missense change has been observed in individual(s) with breast and/or ovarian cancer (PMID: 35918668). ClinVar contains an entry for this variant (Variation ID: 91785). Invitae Evidence Modeling of protein sequence and biophysical properties (such as structural, functional, and spatial information, amino acid conservation, physicochemical variation, residue mobility, and thermodynamic stability) indicates that this missense variant is not expected to disrupt BRCA2 protein function with a negative predictive value of 95%. In summary, the available evidence is currently insufficient to determine the role of this variant in disease. Therefore, it has been classified as a Variant of Uncertain Significance.

University of Washington Department of Laboratory Medicine, University of Washington
Classification: Likely benign for Hereditary cancer-predisposing syndrome. Last evaluated: 2023-03-23. Review status: criteria provided, single submitter. Criteria: Dines et al. (Genet Med. 2020). Collection method: curation. Allele origin: germline.
Comment: Missense variant in a coldspot region where missense variants are very unlikely to be pathogenic (PMID:31911673).

BRCA2 exon 11 coldspot. Reclassification based on statistical prior probability.

Sharing Clinical Reports Project (SCRP)
Classification: Uncertain significance for Breast-ovarian cancer, familial 2. Last evaluated: 2012-06-13. Review status: no assertion criteria provided. Collection method: clinical testing. Allele origin: germline. Not counted in ClinVar's aggregate classification.

Center for Precision Medicine, Meizhou People's Hospital
Classification: Uncertain significance for Familial cancer of breast. Review status: no assertion criteria provided. Collection method: curation. Allele origin: germline. Affected: yes. Not counted in ClinVar's aggregate classification.

Literature cited by the submitters: PubMed 35918668 (cited by Labcorp Genetics (formerly Invitae), Labcorp).